The following is an entry in ClinVar:

NM_177438.3(DICER1):c.1711A>G (p.Ser571Gly)

Gene: DICER1 (dicer 1, ribonuclease III; minus strand). Cytogenetic location: 14q32.13.
Variant type: single nucleotide variant.
Coding change: c.1711A>G on transcript NM_177438.3 (MANE Select); coding-DNA position 1711, A replaced by G.
Protein change: p.Ser571Gly; replaces serine 571 with glycine.
Molecular consequence: missense variant.
Genome position (GRCh38, 1-based): chr14:95,116,494, T>C on the plus strand (A>G on the coding strand, the complement: DICER1 is on the minus strand). VCF-style: chr14-95116494-T-C. GRCh37 (hg19) VCF-style: chr14-95582831-T-C.
Other names: c.1711A>G (NM_177438.2); c.1711A>G, p.Ser571Gly (NM_001195573.1, NM_001271282.3, NM_001291628.2 and 1 more transcripts); short protein forms S571G.
Identifiers: ClinVar variation 1352323 (VCV001352323.10), dbSNP rs2140123288, ClinGen allele CA390884738.

ClinVar aggregate classification (germline): Uncertain significance. Review status: criteria provided, multiple submitters, no conflicts (2 of 4 stars). 2 submissions from 2 submitters: Uncertain significance (2). Last evaluated 2024-11-15.

Conditions:
DICER1-related tumor predisposition. Also called: DICER1 syndrome; DICER1-related pleuropulmonary blastoma cancer predisposition syndrome. Identifiers: Orphanet 284343, MedGen C3839822, MONDO:0100216.
Hereditary cancer-predisposing syndrome. Also called: Hereditary Cancer Syndrome; Neoplastic Syndromes, Hereditary; Tumor predisposition; Hereditary neoplastic syndrome. Identifiers: Orphanet 140162, MedGen C0027672, MeSH D009386, MONDO:0015356.

Submissions (2):

Ambry Genetics
Classification: Uncertain significance for Hereditary cancer-predisposing syndrome. Last evaluated: 2024-11-15. Review status: criteria provided, single submitter. Criteria: Ambry Variant Classification Scheme 2023. Collection method: clinical testing. Allele origin: germline.
Comment: The p.S571G variant (also known as c.1711A>G), located in coding exon 9 of the DICER1 gene, results from an A to G substitution at nucleotide position 1711. The serine at codon 571 is replaced by glycine, an amino acid with similar properties. This amino acid position is conserved. In addition, this alteration is predicted to be tolerated by in silico analysis. Based on the available evidence, the clinical significance of this variant remains unclear.

Labcorp Genetics (formerly Invitae), Labcorp
Classification: Uncertain significance for DICER1-related tumor predisposition. Last evaluated: 2021-05-08. Review status: criteria provided, single submitter. Criteria: Invitae Variant Classification Sherloc (09022015). Collection method: clinical testing. Allele origin: germline.
Comment: In summary, the available evidence is currently insufficient to determine the role of this variant in disease. Therefore, it has been classified as a Variant of Uncertain Significance. Algorithms developed to predict the effect of missense changes on protein structure and function (SIFT, PolyPhen-2, Align-GVGD) all suggest that this variant is likely to be tolerated, but these predictions have not been confirmed by published functional studies and their clinical significance is uncertain. This variant has not been reported in the literature in individuals with DICER1-related conditions. This variant is not present in population databases (ExAC no frequency). This sequence change replaces serine with glycine at codon 571 of the DICER1 protein (p.Ser571Gly). The serine residue is weakly conserved and there is a small physicochemical difference between serine and glycine.